The following is an entry in ClinVar:

NM_004415.4(DSP):c.3640A>G (p.Ile1214Val)

Gene: DSP (desmoplakin; plus strand). Cytogenetic location: 6p24.3.
Variant type: single nucleotide variant.
Coding change: c.3640A>G on transcript NM_004415.4 (MANE Select); coding-DNA position 3640, A replaced by G.
Protein change: p.Ile1214Val; replaces isoleucine 1214 with valine.
Molecular consequence: missense variant. On other transcripts: intron variant (1).
Genome position (GRCh38, 1-based): chr6:7,579,830, A>G. VCF-style: chr6-7579830-A-G. GRCh37 (hg19) VCF-style: chr6-7580063-A-G.
Other names: c.3640A>G, p.Ile1214Val (NM_001319034.2); c.3582+58A>G (NM_001008844.3); c.3640A>G (NM_004415.3); short protein forms I1214V.
Identifiers: ClinVar variation 2170498 (VCV002170498.7), dbSNP rs1376293705, ClinGen allele CA362684529.
Genomic context (GRCh38, chr6:7,579,830, plus strand): 5'-AAGGTAAGAAACCACTATAATGAGGAGATGAGTAATTTAAGGAACAAGTATGAAACAGAG[A>G]TTAACATTACGAAGACCACCATCAAGGAGATATCCATGCAAAAAGAGGATGATTCCAAAA-3'
Protein context (NP_004406.2, residues 1204-1224): SNLRNKYETE[Ile1214Val]NITKTTIKEI

ClinVar aggregate classification (germline): Conflicting classifications of pathogenicity. Review status: criteria provided, conflicting classifications (1 of 4 stars). 4 submissions from 4 submitters: Uncertain significance (3); Likely benign (1). Last evaluated 2025-12-21.

Conditions:
Cardiovascular phenotype. Identifiers: MedGen CN230736.
DSP-related disorder. Also called: DSP-related disorders; DSP-related condition.
Arrhythmogenic cardiomyopathy with wooly hair and keratoderma. Also called: Carvajal syndrome; Arrhythmogenic cardiomyopathy with woolly hair and keratoderma; PALMOPLANTAR KERATODERMA WITH LEFT VENTRICULAR CARDIOMYOPATHY AND WOOLLY HAIR; Dilated cardiomyopathy with woolly hair and keratoderma. Identifiers: Orphanet 65282, MedGen C1854063, MONDO:0011581, OMIM 605676.
Arrhythmogenic right ventricular dysplasia 8 (ARVD8). Also called: Arrhythmogenic Right Ventricular Dysplasia/Cardiomyopathy 8; ARRHYTHMOGENIC RIGHT VENTRICULAR DYSPLASIA, FAMILIAL, 8; ARRHYTHMOGENIC RIGHT VENTRICULAR CARDIOMYOPATHY 8. Identifiers: MedGen C1843896, MONDO:0011831, OMIM 607450.

Allele frequency attached by ClinVar (database versions not stated): gnomAD exomes below 0.00001; TOPMed below 0.00001; gnomAD 0.00001.
gnomAD v4.1: 3 of 1,614,042 alleles (0.00019%); highest among the groups gnomAD compares: South Asian, 0.0011%; no homozygotes.

Submissions (4):

Ambry Genetics
Classification: Uncertain significance for Cardiovascular phenotype. Last evaluated: 2025-12-21. Review status: criteria provided, single submitter. Criteria: Ambry Variant Classification Scheme 2023. Collection method: clinical testing. Allele origin: germline.
Comment: The p.I1214V variant (also known as c.3640A>G), located in coding exon 23 of the DSP gene, results from an A to G substitution at nucleotide position 3640. The isoleucine at codon 1214 is replaced by valine, an amino acid with highly similar properties. This amino acid position is conserved. In addition, the in silico prediction for this alteration is inconclusive. Based on the available evidence, the clinical significance of this variant remains unclear.

PreventionGenetics, part of Exact Sciences
Classification: Uncertain significance for DSP-related condition. Last evaluated: 2025-11-05. Review status: criteria provided, single submitter. Criteria: ACMG Guidelines, 2015. Collection method: clinical testing. Allele origin: germline.
Comment: The DSP c.3640A>G variant is predicted to result in the amino acid substitution p.Ile1214Val. To our knowledge, this variant has not been reported in the literature. This variant is reported in 0.0033% of alleles in individuals of South Asian descent in gnomAD. At this time, the clinical significance of this variant is uncertain due to the absence of conclusive functional and genetic evidence.

All of Us Research Program, National Institutes of Health
Classification: Uncertain significance for Arrhythmogenic cardiomyopathy with wooly hair and keratoderma. Last evaluated: 2023-09-05. Review status: criteria provided, single submitter. Criteria: ACMG Guidelines, 2015. Collection method: clinical testing. Allele origin: germline. Inheritance: Autosomal dominant inheritance. Observed: 2 variant alleles, 2 heterozygotes.
Comment: This missense variant replaces isoleucine with valine at codon 1214 of the DSP protein. Computational prediction suggests that this variant may not impact protein structure and function (internally defined REVEL score threshold <= 0.5, PMID: 27666373). To our knowledge, functional studies have not been reported for this variant. This variant has not been reported in individuals affected with DSP-related disorders in the literature. This variant has been identified in 1/251174 chromosomes in the general population by the Genome Aggregation Database (gnomAD). The available evidence is insufficient to determine the role of this variant in disease conclusively. Therefore, this variant is classified as a Variant of Uncertain Significance.

This study involves interpretation of variants in research participants for the purpose of population health screening. Participant phenotype was not available at the time of variant classification. Additional details can be found in publication PMID: 35346344, PMCID: PMC8962531

Labcorp Genetics (formerly Invitae), Labcorp
Classification: Likely benign for Arrhythmogenic cardiomyopathy with wooly hair and keratoderma; Arrhythmogenic right ventricular dysplasia 8. Last evaluated: 2022-04-25. Review status: criteria provided, single submitter. Criteria: Invitae Variant Classification Sherloc (09022015). Collection method: clinical testing. Allele origin: germline.